The following is an entry in ClinVar:

ClinVar aggregate classification (germline): Likely benign (0 of 4 stars; one submission).

Conditions:
DLGAP1-related disorder. Also called: DLGAP1-related condition.

Allele frequency attached by ClinVar (database versions not stated): ExAC 0.00004; TOPMed 0.00004; gnomAD 0.00005; ESP Exome Variant Server 0.00015.
gnomAD v4.1: 41 of 1,613,804 alleles (0.0025%); highest among the groups gnomAD compares: African/African-American, 0.004%; no homozygotes.

Submission:

PreventionGenetics, part of Exact Sciences
Classification: Likely benign for DLGAP1-related condition. Last evaluated: 2023-02-02. Review status: no assertion criteria provided. Collection method: clinical testing. Allele origin: germline.
Comment: This variant is classified as likely benign based on ACMG/AMP sequence variant interpretation guidelines (Richards et al. 2015 PMID: 25741868, with internal and published modifications).

NM_004746.4(DLGAP1):c.1392C>T (p.Cys464=)

Gene: DLGAP1 (DLG associated protein 1; minus strand). Cytogenetic location: 18p11.31.
Variant type: single nucleotide variant.
Coding change: c.1392C>T on transcript NM_004746.4 (MANE Select); coding-DNA position 1392, C replaced by T.
Protein change: p.Cys464=; no amino-acid change (cysteine 464 retained).
Molecular consequence: synonymous variant.
Genome position (GRCh38, 1-based): chr18:3,729,334, G>A on the plus strand (C>T on the coding strand, the complement: DLGAP1 is on the minus strand). VCF-style: chr18-3729334-G-A. GRCh37 (hg19) VCF-style: chr18-3729334-G-A.
Other names: c.486C>T, p.Cys162= (NM_001003809.3, NM_001242765.2, NM_001242766.2 and 1 more transcripts); c.1392C>T, p.Cys464= (NM_001242761.2, NM_001398525.1, NM_001398526.1 and 2 more transcripts); c.528C>T, p.Cys176= (NM_001242762.2, NM_001242763.2, NM_001398533.1 and 2 more transcripts); c.510C>T, p.Cys170= (NM_001242764.2, NM_001308390.2, NM_001398541.1 and 2 more transcripts); c.642C>T, p.Cys214= (NM_001398530.1, NM_001398535.1); c.624C>T, p.Cys208= (NM_001398531.1, NM_001398537.1); c.516C>T, p.Cys172= (NM_001398532.1, NM_001398534.1, NM_001398540.1 and 1 more transcripts); c.600C>T, p.Cys200= (NM_001398536.1).
Identifiers: ClinVar variation 3054756 (VCV003054756.2), dbSNP rs148434174, ClinGen allele CA8876462.